The following is an entry in ClinVar:

NM_001368809.2(AMPD2):c.831C>T (p.His277=)

Gene: AMPD2 (adenosine monophosphate deaminase 2; plus strand). Cytogenetic location: 1p13.3.
Variant type: single nucleotide variant.
Coding change: c.831C>T on transcript NM_001368809.2 (MANE Select); coding-DNA position 831, C replaced by T.
Protein change: p.His277=; no amino-acid change (histidine 277 retained).
Molecular consequence: synonymous variant.
Genome position (GRCh38, 1-based): chr1:109,627,287, C>T. VCF-style: chr1-109627287-C-T. GRCh37 (hg19) VCF-style: chr1-110169909-C-T.
Other names: c.993C>T (NM_001257360.1); c.639C>T, p.His213= (NM_001257361.2); c.768C>T, p.His256= (NM_001308170.1); c.831C>T, p.His277= (NM_004037.9); c.750C>T, p.His250= (NM_139156.4).
Identifiers: ClinVar variation 2949377 (VCV002949377.5), dbSNP rs563198884, ClinGen allele CA992921.

ClinVar aggregate classification (germline): Likely benign. Review status: criteria provided, single submitter (1 of 4 stars). 2 submissions from 2 submitters: Likely benign (1). 1 of the submissions does not count toward it. Last evaluated 2025-12-30.

Conditions:
Hereditary spastic paraplegia 63. Also called: Spastic paraplegia 63, autosomal recessive. Identifiers: Orphanet 401805, MedGen C3810295, MONDO:0014305, OMIM 615686.
Pontocerebellar hypoplasia type 9. Identifiers: Orphanet 369920, MedGen C4014354, MONDO:0014351, OMIM 615809.
AMPD2-related disorder. Also called: AMPD2-related condition.

Allele frequency attached by ClinVar (database versions not stated): TOPMed 0.00002; 1000 Genomes Project 0.00040; 1000 Genomes Project 30x 0.00047; gnomAD exomes 0.00002; ExAC 0.00008; gnomAD 0.00007.
gnomAD v4.1: 46 of 1,605,272 alleles (0.0029%); highest among the groups gnomAD compares: East Asian, 0.029%; no homozygotes.

Submissions (2):

Labcorp Genetics (formerly Invitae), Labcorp
Classification: Likely benign for Pontocerebellar hypoplasia type 9; Hereditary spastic paraplegia 63. Last evaluated: 2025-12-30. Review status: criteria provided, single submitter. Criteria: Invitae Variant Classification Sherloc (09022015). Collection method: clinical testing. Allele origin: germline.

PreventionGenetics, part of Exact Sciences
Classification: Likely benign for AMPD2-related condition. Last evaluated: 2019-12-05. Review status: no assertion criteria provided. Collection method: clinical testing. Allele origin: germline. Not counted in ClinVar's aggregate classification.
Comment: This variant is classified as likely benign based on ACMG/AMP sequence variant interpretation guidelines (Richards et al. 2015 PMID: 25741868, with internal and published modifications).